The following is an entry in ClinVar:

ClinVar aggregate classification (germline): Uncertain significance (1 of 4 stars; one submission).

gnomAD v4.1: 7 of 1,614,082 alleles (0.00043%); highest among the groups gnomAD compares: Non-Finnish European, 0.00051%; no homozygotes.

Submission:

GeneDx
Classification: Uncertain significance. Last evaluated: 2025-05-21. Review status: criteria provided, single submitter. Criteria: GeneDx Variant Classification Process June 2021. Collection method: clinical testing. Allele origin: germline. Affected: yes.
Comment: Not observed at significant frequency in large population cohorts (gnomAD); In silico analysis suggests that this missense variant does not alter protein structure/function; Has not been previously published as pathogenic or benign to our knowledge

NM_004525.3(LRP2):c.10078A>C (p.Ile3360Leu)

Gene: LRP2 (LDL receptor related protein 2; minus strand). Cytogenetic location: 2q31.1.
Variant type: single nucleotide variant.
Coding change: c.10078A>C on transcript NM_004525.3 (MANE Select); coding-DNA position 10078, A replaced by C.
Protein change: p.Ile3360Leu; replaces isoleucine 3360 with leucine.
Molecular consequence: missense variant.
Genome position (GRCh38, 1-based): chr2:169,181,539, T>G on the plus strand (A>C on the coding strand, the complement: LRP2 is on the minus strand). VCF-style: chr2-169181539-T-G. GRCh37 (hg19) VCF-style: chr2-170038049-T-G.
Other names: short protein forms I3360L.
Identifiers: ClinVar variation 4530969 (VCV004530969.1).
Genomic context (GRCh38, chr2:169,181,539, plus strand): 5'-AGAGTAGATCATTGGTGTAATCAATGGTGATGCCATTAGGCCACTCTAACTTGGTGGAGA[T>G]TATCACAGACTTGTTGGTTCCATCCATGCCTACTCTCCCAATGTATGCGCGGTGACCCCA-3'
Protein context (NP_004516.2, residues 3350-3370): GMDGTNKSVI[Ile3360Leu]STKLEWPNGI